The following is an entry in ClinVar:

ClinVar aggregate classification (germline): Likely pathogenic. Review status: criteria provided, single submitter (1 of 4 stars). 2 submissions from 2 submitters: Likely pathogenic (1). 1 of the submissions does not count toward it. Last evaluated 2025-12-29.

Conditions:
Hereditary factor XI deficiency disease. Also called: Congenital factor XI deficiency; PLASMA THROMBOPLASTIN ANTECEDENT DEFICIENCY; PTA DEFICIENCY; ROSENTHAL SYNDROME. Identifiers: Orphanet 329, MedGen C0015523, MeSH D005173, MONDO:0012897, OMIM 612416.

Allele frequency attached by ClinVar (database versions not stated): gnomAD exomes 0.00001; TOPMed 0.00001.
gnomAD v4.1: 3 of 1,614,262 alleles (0.00019%); highest among the groups gnomAD compares: Non-Finnish European, 0.00025%; no homozygotes.

Submissions (2):

Center for Genomic Medicine, Rigshospitalet, Copenhagen University Hospital
Classification: Likely pathogenic. Last evaluated: 2025-12-29. Review status: criteria provided, single submitter. Criteria: ACMG Guidelines, 2015. Collection method: clinical testing. Allele origin: germline.
Comment: Classification criteria: PS4_Moderate, PM2_Supporting, PP3_Moderate, PP4

Counsyl
Classification: Uncertain significance for Hereditary factor XI deficiency disease. Last evaluated: 2017-02-14. Review status: no assertion criteria provided. Collection method: clinical testing. Allele origin: unknown. Not counted in ClinVar's aggregate classification.

Literature cited by the submitters: PubMed 18388506 (cited by Counsyl); PubMed 19652879 (cited by Counsyl).

NM_000128.4(F11):c.1217A>C (p.His406Pro)

Gene: F11 (coagulation factor XI; plus strand). Cytogenetic location: 4q35.2.
Variant type: single nucleotide variant.
Coding change: c.1217A>C on transcript NM_000128.4 (MANE Select); coding-DNA position 1217, A replaced by C.
Protein change: p.His406Pro; replaces histidine 406 with proline.
Molecular consequence: missense variant.
Genome position (GRCh38, 1-based): chr4:186,284,173, A>C. VCF-style: chr4-186284173-A-C. GRCh37 (hg19) VCF-style: chr4-187205327-A-C.
Other names: short protein forms H406P.
Identifiers: ClinVar variation 550649 (VCV000550649.3), dbSNP rs901732635, ClinGen allele CA112102365.